The following is an entry in ClinVar:

ClinVar aggregate classification (germline): Pathogenic (1 of 4 stars; one submission).

Conditions:
Glycogen storage disease, type IV (GSD4). Also called: BRANCHER DEFICIENCY; AMYLOPECTINOSIS; ANDERSEN DISEASE; CIRRHOSIS, FAMILIAL, WITH DEPOSITION OF ABNORMAL GLYCOGEN; Glycogen storage disease due to glycogen branching enzyme deficiency; GBE1 DEFICIENCY. Identifiers: Orphanet 367, MedGen C0017923, MONDO:0009292, OMIM 232500.
Glycogen storage disease IV, classic hepatic. Also called: GSD IV, CLASSIC HEPATIC. Identifiers: MedGen C1856301.

Submission:

Labcorp Genetics (formerly Invitae), Labcorp
Classification: Pathogenic for Glycogen storage disease, type IV; Glycogen storage disease IV, classic hepatic. Last evaluated: 2023-08-29. Review status: criteria provided, single submitter. Criteria: Invitae Variant Classification Sherloc (09022015). Collection method: clinical testing. Allele origin: germline.
Comment: For these reasons, this variant has been classified as Pathogenic. This variant has not been reported in the literature in individuals affected with GBE1-related conditions. This variant is not present in population databases (gnomAD no frequency). This sequence change creates a premature translational stop signal (p.Gly429Valfs*7) in the GBE1 gene. It is expected to result in an absent or disrupted protein product. Loss-of-function variants in GBE1 are known to be pathogenic (PMID: 15452297, 20058079).

Literature cited by the submitters: PubMed 15452297; PubMed 20058079.

NM_000158.4(GBE1):c.1281del (p.Gly429fs)

Gene: GBE1 (1,4-alpha-glucan branching enzyme 1; minus strand). Cytogenetic location: 3p12.2.
Variant type: Deletion.
Coding change: c.1281del on transcript NM_000158.4 (MANE Select); coding-DNA position 1281, one base deleted (A; older notation c.1281delA).
Protein change: p.Gly429fs; shifts the reading frame from glycine 429.
Molecular consequence: frameshift variant.
Genome position (GRCh38, 1-based): chr3:81,586,146, T deleted on the plus strand (A on the coding strand, the reverse complement: GBE1 is on the minus strand). VCF-style (leftmost placement, unchanged base first): chr3-81586145-CT-C. GRCh37 (hg19) VCF-style: chr3-81635296-CT-C.
Other names: short protein forms G429fs.
Identifiers: ClinVar variation 2951342 (VCV002951342.3), dbSNP rs2471733937, ClinGen allele CA2740094531.